The following is an entry in ClinVar:

ClinVar aggregate classification (germline): Conflicting classifications of pathogenicity. Review status: criteria provided, conflicting classifications (1 of 4 stars). 4 submissions from 4 submitters: Uncertain significance (1); Likely benign (3). Last evaluated 2026-01-28.

Conditions:
Cardiomyopathy (CMYO). Also called: Cardiomyopathies. Identifiers: Orphanet 167848, MedGen C0878544, MONDO:0004994, HP:0001638. Inheritance: Various modes of inheritance.
Arrhythmogenic right ventricular dysplasia 5. Also called: Arrhythmogenic Right Ventricular Dysplasia/Cardiomyopathy 5; ARRHYTHMOGENIC RIGHT VENTRICULAR DYSPLASIA, FAMILIAL, 5. Identifiers: MedGen C1858379, MONDO:0011459, OMIM 604400.
Cardiovascular phenotype. Identifiers: MedGen CN230736.

Allele frequency attached by ClinVar (database versions not stated): gnomAD exomes 0.00001 and 0.00004; TOPMed 0.00002; ExAC 0.00003; gnomAD 0.00004 and 0.00005; 1000 Genomes Project 30x 0.00031; 1000 Genomes Project 0.00040.
gnomAD v4.1: 26 of 1,612,652 alleles (0.0016%); highest among the groups gnomAD compares: East Asian, 0.02%; no homozygotes.

Submissions (4):

Labcorp Genetics (formerly Invitae), Labcorp
Classification: Likely benign for Arrhythmogenic right ventricular dysplasia 5. Last evaluated: 2026-01-28. Review status: criteria provided, single submitter. Criteria: Invitae Variant Classification Sherloc (09022015). Collection method: clinical testing. Allele origin: germline.

Ambry Genetics
Classification: Uncertain significance for Cardiovascular phenotype. Last evaluated: 2024-08-23. Review status: criteria provided, single submitter. Criteria: Ambry Variant Classification Scheme 2023. Collection method: clinical testing. Allele origin: germline.
Comment: The c.750C>T variant (also known as p.G250G), located in coding exon 9 of the TMEM43 gene, results from a C to T substitution at nucleotide position 750. This nucleotide substitution does not change the glycine at codon 250. This nucleotide position is poorly conserved in available vertebrate species. In silico splice site analysis for this alteration is inconclusive. Based on the available evidence, the clinical significance of this variant remains unclear.

All of Us Research Program, National Institutes of Health
Classification: Likely benign for Arrhythmogenic right ventricular dysplasia 5. Last evaluated: 2024-04-16. Review status: criteria provided, single submitter. Criteria: ACMG Guidelines, 2015. Collection method: clinical testing. Allele origin: germline. Inheritance: Autosomal dominant inheritance. Observed: 6 variant alleles, 6 heterozygotes.
Comment: This study involves interpretation of variants in research participants for the purpose of population health screening. Participant phenotype was not available at the time of variant classification. Additional details can be found in publication PMID: 35346344, PMCID: PMC8962531

Color Diagnostics, LLC DBA Color Health
Classification: Likely benign for Cardiomyopathy. Last evaluated: 2018-06-25. Review status: criteria provided, single submitter. Criteria: ACMG Guidelines, 2015. Collection method: clinical testing. Allele origin: germline.

NM_024334.3(TMEM43):c.750C>T (p.Gly250=)

Gene: TMEM43 (transmembrane protein 43; plus strand). Cytogenetic location: 3p25.1.
Variant type: single nucleotide variant.
Coding change: c.750C>T on transcript NM_024334.3 (MANE Select); coding-DNA position 750, C replaced by T.
Protein change: p.Gly250=; no amino-acid change (glycine 250 retained).
Molecular consequence: synonymous variant.
Genome position (GRCh38, 1-based): chr3:14,135,202, C>T. VCF-style: chr3-14135202-C-T. GRCh37 (hg19) VCF-style: chr3-14176702-C-T.
Identifiers: ClinVar variation 406896 (VCV000406896.14), dbSNP rs374222050, ClinGen allele CA055244.